The following is an entry in ClinVar:

ClinVar aggregate classification (germline): Conflicting classifications of pathogenicity. Review status: criteria provided, conflicting classifications (1 of 4 stars). 9 submissions from 9 submitters: Uncertain significance (7); Likely benign (1). 1 of the submissions does not count toward it. Last evaluated 2026-05-22.

Conditions:
Fanconi anemia complementation group J. Also called: BRIP1-Related Fanconi Anemia. Identifiers: Orphanet 84, MedGen C1836860, MONDO:0012187, OMIM 609054.
Ovarian cancer. Also called: OVARIAN CANCER, SOMATIC. Identifiers: Orphanet 213500, MedGen C1140680, MONDO:0008170, OMIM 167000.
BRIP1-related disorder. Also called: BRIP1-related condition; BRIP1-related disorders. Identifiers: MedGen CN239206.
Familial cancer of breast. Also called: Hereditary breast cancer; BREAST CANCER, FAMILIAL; hereditary breast carcinoma. Identifiers: Orphanet 227535, MedGen C0346153, MONDO:0016419, OMIM 114480. Disease mechanism: loss of function.
Familial ovarian cancer. Identifiers: MedGen C5679802, MONDO:0016248.
Hereditary cancer-predisposing syndrome. Also called: Neoplastic Syndromes, Hereditary; Hereditary Cancer Syndrome; Tumor predisposition; Hereditary neoplastic syndrome. Identifiers: Orphanet 140162, MedGen C0027672, MeSH D009386, MONDO:0015356.

Allele frequency attached by ClinVar (database versions not stated): ExAC 0.00001; TOPMed 0.00001; gnomAD exomes 0.00002 and 0.00001; ESP Exome Variant Server 0.00008; gnomAD 0.00001.
gnomAD v4.1: 36 of 1,613,980 alleles (0.0022%); highest among the groups gnomAD compares: Non-Finnish European, 0.0029%; no homozygotes.

Submissions (9):

Women's Health and Genetics/Laboratory Corporation of America, LabCorp
Classification: Uncertain significance. Last evaluated: 2026-05-22. Review status: criteria provided, single submitter. Criteria: LabCorp Variant Classification Summary - May 2015. Collection method: clinical testing. Allele origin: germline.
Comment: Variant summary: BRIP1 c.1684A>G (p.Ile562Val) results in a conservative amino acid change in the encoded protein sequence. Algorithms developed to predict the effect of missense changes on protein structure and function all suggest that this variant is likely to be tolerated. The variant allele was found at a frequency of 1.2e-05 in 251396 control chromosomes. The available data on variant occurrences in the general population are insufficient to allow any conclusion about variant significance. c.1684A>G has been observed in individual(s) affected with breast cancer, ovarian cancer, or colorectal cancer, without strong evidence for causality (e.g. Ramus_2015, Seal_2006, Yurgelun_2017). These report(s) do not provide unequivocal conclusions about association of the variant with disease. To our knowledge, no experimental evidence demonstrating an impact on protein function has been reported. c.1684A>G was also detected in one individual from the FLOSSIES database (women aged 70+ without cancer) at a frequency of 0.000101. The following publications have been ascertained in the context of this evaluation (PMID: 26315354, 17033622, 28135145). ClinVar contains an entry for this variant (Variation ID: 182352). Based on the evidence outlined above, the variant was classified as uncertain significance.

Labcorp Genetics (formerly Invitae), Labcorp
Classification: Uncertain significance for Familial cancer of breast; Fanconi anemia complementation group J. Last evaluated: 2025-12-05. Review status: criteria provided, single submitter. Criteria: Invitae Variant Classification Sherloc (09022015). Collection method: clinical testing. Allele origin: germline.
Comment: This sequence change replaces isoleucine, which is neutral and non-polar, with valine, which is neutral and non-polar, at codon 562 of the BRIP1 protein (p.Ile562Val). This variant is present in population databases (rs45533636, gnomAD 0.003%). This missense change has been observed in individual(s) with breast and/or ovarian cancer (PMID: 17033622, 25980754, 26315354, 28135145). ClinVar contains an entry for this variant (Variation ID: 182352). Invitae Evidence Modeling of protein sequence and biophysical properties (such as structural, functional, and spatial information, amino acid conservation, physicochemical variation, residue mobility, and thermodynamic stability) indicates that this missense variant is not expected to disrupt BRIP1 protein function with a negative predictive value of 95%. In summary, the available evidence is currently insufficient to determine the role of this variant in disease. Therefore, it has been classified as a Variant of Uncertain Significance.

Ambry Genetics
Classification: Likely benign for Hereditary cancer-predisposing syndrome. Last evaluated: 2025-02-27. Review status: criteria provided, single submitter. Criteria: Ambry Variant Classification Scheme 2023. Collection method: clinical testing. Allele origin: germline.

Molecular Pathology, Peter Maccallum Cancer Centre
Classification: Uncertain significance for Familial ovarian cancer. Last evaluated: 2024-10-24. Review status: criteria provided, single submitter. Criteria: ACMG Guidelines, 2015. Collection method: clinical testing. Allele origin: germline. Inheritance: Autosomal dominant inheritance.

Color Diagnostics, LLC DBA Color Health
Classification: Uncertain significance for Hereditary cancer-predisposing syndrome. Last evaluated: 2024-07-30. Review status: criteria provided, single submitter. Criteria: ACMG Guidelines, 2015. Collection method: clinical testing. Allele origin: germline.
Comment: This missense variant replaces isoleucine with valine at codon 562 of the BRIP1 protein. Computational prediction suggests that this variant may not impact protein structure and function. To our knowledge, functional studies have not been reported for this variant. This variant has been reported in individuals affected with ovarian cancer (PMID: 26315354), breast cancer (PMID: 17033622), colorectal cancer (PMID: 28135145) and suspected Lynch syndrome (PMID: 25980754). This variant has been identified in 4/282800 chromosomes in the general population by the Genome Aggregation Database (gnomAD). The available evidence is insufficient to determine the role of this variant in disease conclusively. Therefore, this variant is classified as a Variant of Uncertain Significance.

Baylor Genetics
Classification: Uncertain significance for Familial cancer of breast. Last evaluated: 2024-02-28. Review status: criteria provided, single submitter. Criteria: ACMG Guidelines, 2015. Collection method: clinical testing. Allele origin: unknown.

Myriad Genetics, Inc.
Classification: Uncertain significance for Familial cancer of breast. Last evaluated: 2023-02-28. Review status: criteria provided, single submitter. Criteria: Myriad Autosomal Dominant, Autosomal Recessive and X-Linked Classification Criteria (2023). Collection method: clinical testing. Allele origin: unknown.
Comment: This variant is classified as a variant of uncertain significance as there is insufficient evidence to determine its impact on protein function and/or cancer risk.

GeneDx
Classification: Uncertain significance. Last evaluated: 2019-11-22. Review status: criteria provided, single submitter. Criteria: GeneDx Variant Classification Process June 2021. Collection method: clinical testing. Allele origin: germline. Affected: yes.
Comment: Not observed at a significant frequency in large population cohorts (Lek 2016); In silico analysis, which includes protein predictors and evolutionary conservation, supports that this variant does not alter protein structure/function; Observed in individuals with breast, colorectal, and Lynch syndrome-associated cancer and/or polyps, but also in controls (Seal 2006, Yurgelun 2015, Easton 2016, Ramus 2015, Yurgelun 2017); This variant is associated with the following publications: (PMID: 26921362, 25980754, 28135145, 17033622, 26315354)

Counsyl
Classification: Uncertain significance for Fanconi anemia complementation group J; Ovarian cancer. Last evaluated: 2018-02-13. Review status: no assertion criteria provided. Collection method: clinical testing. Allele origin: unknown. Not counted in ClinVar's aggregate classification.

Literature cited by the submitters: PubMed 26315354 (cited by 5 submitters); PubMed 17033622 (cited by 4 submitters); PubMed 28135145 (cited by 4 submitters); PubMed 25980754 (cited by 3 submitters); PubMed 26921362 (cited by Counsyl).

NM_032043.3(BRIP1):c.1684A>G (p.Ile562Val)

Gene: BRIP1 (BRCA1 interacting DNA helicase 1; minus strand). Cytogenetic location: 17q23.2.
Variant type: single nucleotide variant.
Coding change: c.1684A>G on transcript NM_032043.3 (MANE Select); coding-DNA position 1684, A replaced by G.
Protein change: p.Ile562Val; replaces isoleucine 562 with valine.
Molecular consequence: missense variant.
Genome position (GRCh38, 1-based): chr17:61,780,950, T>C on the plus strand (A>G on the coding strand, the complement: BRIP1 is on the minus strand). VCF-style: chr17-61780950-T-C. GRCh37 (hg19) VCF-style: chr17-59858311-T-C.
Other names: p.I562V:ATT>GTT; short protein forms I562V.
Identifiers: ClinVar variation 182352 (VCV000182352.30), dbSNP rs45533636, ClinGen allele CA298890.